The following is an entry in ClinVar:

NM_000521.4(HEXB):c.96G>C (p.Gln32His)

Gene: HEXB (hexosaminidase subunit beta; plus strand). Cytogenetic location: 5q13.3.
Variant type: single nucleotide variant.
Coding change: c.96G>C on transcript NM_000521.4 (MANE Select); coding-DNA position 96, G replaced by C.
Protein change: p.Gln32His; replaces glutamine 32 with histidine.
Molecular consequence: missense variant. On other transcripts: intron variant (1).
Genome position (GRCh38, 1-based): chr5:74,685,356, G>C. VCF-style: chr5-74685356-G-C. GRCh37 (hg19) VCF-style: chr5-73981181-G-C.
Other names: c.-376-3972G>C (NM_001292004.2); short protein forms Q32H.
Identifiers: ClinVar variation 1993858 (VCV001993858.4), dbSNP rs868106940, ClinGen allele CA120898768.

ClinVar aggregate classification (germline): Uncertain significance (1 of 4 stars; one submission).

Conditions:
Sandhoff disease. Also called: Beta-hexosaminidase-beta-subunit deficiency; GM2 gangliosidosis, type 2; Total hexosaminidase deficiency; Sandhoff-Jatzkewitz-Pilz disease; GM2-GANGLIOSIDOSIS, TYPE II; HEXOSAMINIDASES A AND B DEFICIENCY. Identifiers: Orphanet 796, MedGen C0036161, MONDO:0010006, OMIM 268800.

Submission:

Labcorp Genetics (formerly Invitae), Labcorp
Classification: Uncertain significance for Sandhoff disease. Last evaluated: 2025-07-14. Review status: criteria provided, single submitter. Criteria: Invitae Variant Classification Sherloc (09022015). Collection method: clinical testing. Allele origin: germline.
Comment: This sequence change replaces glutamine, which is neutral and polar, with histidine, which is basic and polar, at codon 32 of the HEXB protein (p.Gln32His). This variant is not present in population databases (gnomAD no frequency). This variant has not been reported in the literature in individuals affected with HEXB-related conditions. ClinVar contains an entry for this variant (Variation ID: 1993858). Invitae Evidence Modeling of protein sequence and biophysical properties (such as structural, functional, and spatial information, amino acid conservation, physicochemical variation, residue mobility, and thermodynamic stability) indicates that this missense variant is not expected to disrupt HEXB protein function with a negative predictive value of 95%. In summary, the available evidence is currently insufficient to determine the role of this variant in disease. Therefore, it has been classified as a Variant of Uncertain Significance.